The following is an entry in ClinVar:

ClinVar aggregate classification (germline): Uncertain significance. Review status: criteria provided, multiple submitters, no conflicts (2 of 4 stars). 2 submissions from 2 submitters: Uncertain significance (2). Last evaluated 2024-02-22.

Conditions:
Hereditary cancer-predisposing syndrome. Also called: Hereditary neoplastic syndrome; Tumor predisposition; Hereditary Cancer Syndrome; Neoplastic Syndromes, Hereditary. Identifiers: Orphanet 140162, MedGen C0027672, MeSH D009386, MONDO:0015356.

Submissions (2):

Ambry Genetics
Classification: Uncertain significance for Hereditary cancer-predisposing syndrome. Last evaluated: 2024-02-22. Review status: criteria provided, single submitter. Criteria: Ambry Variant Classification Scheme 2023. Collection method: clinical testing. Allele origin: germline.
Comment: The p.S289F variant (also known as c.866C>T), located in coding exon 8 of the EPCAM gene, results from a C to T substitution at nucleotide position 866. The serine at codon 289 is replaced by phenylalanine, an amino acid with highly dissimilar properties. This amino acid position is conserved. In addition, the in silico prediction for this alteration is inconclusive. Based on the available evidence, the clinical significance of this alteration remains unclear.

Labcorp Genetics (formerly Invitae), Labcorp
Classification: Uncertain significance. Last evaluated: 2015-08-15. Review status: criteria provided, single submitter. Criteria: Invitae Variant Classification Sherloc (09022015). Collection method: clinical testing. Allele origin: germline.
Comment: In summary, this is a novel missense change with uncertain impact on protein function. It has been classified as a Variant of Uncertain Significance. This variant is not present in population databases and has not been published in the literature. Algorithms developed to predict the effect of missense changes on protein structure and function do not agree on the potential impact of this missense change (SIFT: "Deleterious"; PolyPhen-2: "Possibly Damaging"; Align-GVGD: "Class C0"). This sequence change replaces serine with phenylalanine at codon 289 of the EPCAM protein (p.Ser289Phe). The serine residue is moderately conserved and there is a large physicochemical difference between serine and phenylalanine.

NM_002354.3(EPCAM):c.866C>T (p.Ser289Phe)

Gene: EPCAM (epithelial cell adhesion molecule; plus strand). Cytogenetic location: 2p21.
Variant type: single nucleotide variant.
Coding change: c.866C>T on transcript NM_002354.3 (MANE Select); coding-DNA position 866, C replaced by T.
Protein change: p.Ser289Phe; replaces serine 289 with phenylalanine.
Molecular consequence: missense variant.
Genome position (GRCh38, 1-based): chr2:47,385,173, C>T. VCF-style: chr2-47385173-C-T. GRCh37 (hg19) VCF-style: chr2-47612312-C-T.
Other names: short protein forms S289F.
Identifiers: ClinVar variation 219866 (VCV000219866.8), dbSNP rs864622286, ClinGen allele CA348498.